The following is an entry in ClinVar:

NM_000094.4(COL7A1):c.2728del (p.Arg910fs)

Gene: COL7A1 (collagen type VII alpha 1 chain; minus strand). Cytogenetic location: 3p21.31.
Variant type: Deletion.
Coding change: c.2728del on transcript NM_000094.4 (MANE Select); coding-DNA position 2728, one base deleted (C; older notation c.2728delC).
Protein change: p.Arg910fs; shifts the reading frame from arginine 910.
Molecular consequence: frameshift variant.
Genome position (GRCh38, 1-based): chr3:48,587,922, G deleted on the plus strand (C on the coding strand, the reverse complement: COL7A1 is on the minus strand); the first of 3 consecutive G bases (chr3:48,587,922-48,587,924); deleting any one gives the same sequence. VCF-style (leftmost placement, unchanged base first): chr3-48587921-CG-C. GRCh37 (hg19) VCF-style: chr3-48625354-CG-C.
Other names: short protein forms R910fs.
Identifiers: ClinVar variation 2957552 (VCV002957552.4), dbSNP rs2531242512, ClinGen allele CA2577588805.
Genomic context (GRCh38, chr3:48,587,921, plus strand): 5'-TACTGTGTCGCTGGCTCCAGCCCGTCCAGGTGATAGCTGCTGAGCTCGGGCCCCAGGACC[CG>C]GGACTGTTCCTGGCCACCTGGGGCAGGCGTGAGGGTGGGGGCCAAGAGCATGTGGGATAG-3'

ClinVar aggregate classification (germline): Pathogenic. Review status: criteria provided, multiple submitters, no conflicts (2 of 4 stars). 2 submissions from 2 submitters: Pathogenic (2). Last evaluated 2024-08-06.

Conditions:
Recessive dystrophic epidermolysis bullosa (RDEB). Also called: DYSTROPHIC EPIDERMOLYSIS BULLOSA, AUTOSOMAL RECESSIVE; EPIDERMOLYSIS BULLOSA DYSTROPHICA, HALLOPEAU-SIEMENS TYPE; epidermolysis bullosa dystrophica, autosomal recessive; Recessive DEB (RDEB); Hallopeau-Siemens Disease; severe generalized recessive dystrophic epidermolysis bullosa. Identifiers: Orphanet 79408, Orphanet 79409, MedGen C0079474, MONDO:0009179, OMIM 226600.

Submissions (2):

Myriad Genetics, Inc.
Classification: Pathogenic for Recessive dystrophic epidermolysis bullosa. Last evaluated: 2024-08-06. Review status: criteria provided, single submitter. Criteria: Myriad Autosomal Dominant, Autosomal Recessive and X-Linked Classification Criteria (2023). Collection method: clinical testing. Allele origin: unknown.
Comment: NM_000094.3(COL7A1):c.2728delC(R910Gfs*23) is expected to be pathogenic in the context of dystrophic epidermolysis bullosa. This variant is predicted to lead to an abnormal or absent protein product due to the creation of a premature termination codon in COL7A1, a gene where loss-of-function variants are known to be pathogenic. Please note: this variant was assessed in the context of healthy population screening.

Labcorp Genetics (formerly Invitae), Labcorp
Classification: Pathogenic. Last evaluated: 2023-07-25. Review status: criteria provided, single submitter. Criteria: Invitae Variant Classification Sherloc (09022015). Collection method: clinical testing. Allele origin: germline.
Comment: For these reasons, this variant has been classified as Pathogenic. This variant has not been reported in the literature in individuals affected with COL7A1-related conditions. This variant is not present in population databases (gnomAD no frequency). This sequence change creates a premature translational stop signal (p.Arg910Glyfs*23) in the COL7A1 gene. It is expected to result in an absent or disrupted protein product. Loss-of-function variants in COL7A1 are known to be pathogenic (PMID: 16971478).

Literature cited by the submitters: PubMed 16971478 (cited by Labcorp Genetics (formerly Invitae), Labcorp).